The following is an entry in ClinVar:

ClinVar aggregate classification (germline): Benign/Likely benign. Review status: criteria provided, multiple submitters, no conflicts (2 of 4 stars). 2 submissions from 2 submitters: Benign (1); Likely benign (1). Last evaluated 2025-07-14.

Conditions:
Peutz-Jeghers syndrome (PJS). Also called: Peutz-Jeghers polyposis; Periorificial lentiginosis syndrome; POLYPOSIS, HAMARTOMATOUS INTESTINAL; POLYPS-AND-SPOTS SYNDROME. Identifiers: Orphanet 2869, MedGen C0031269, MeSH D010580, MONDO:0008280, OMIM 175200.

Allele frequency attached by ClinVar (database versions not stated): TOPMed below 0.00001.

Submissions (2):

Labcorp Genetics (formerly Invitae), Labcorp
Classification: Likely benign for Peutz-Jeghers syndrome. Last evaluated: 2025-07-14. Review status: criteria provided, single submitter. Criteria: Invitae Variant Classification Sherloc (09022015). Collection method: clinical testing. Allele origin: germline.

Myriad Genetics, Inc.
Classification: Benign for Peutz-Jeghers syndrome. Last evaluated: 2025-03-28. Review status: criteria provided, single submitter. Criteria: Myriad Autosomal Dominant, Autosomal Recessive and X-Linked Classification Criteria (2023). Collection method: clinical testing. Allele origin: unknown.
Comment: This variant is considered benign. This variant is a silent/synonymous amino acid change and it is not expected to impact splicing.

NM_000455.5(STK11):c.1047G>A (p.Glu349=)

Genes: STK11 (serine/threonine kinase 11; plus strand), LOC130062899 (ATAC-STARR-seq lymphoblastoid active region 13597; plus strand). Cytogenetic location: 19p13.3.
Variant type: single nucleotide variant.
Coding change: c.1047G>A on transcript NM_000455.5 (MANE Select); coding-DNA position 1047, G replaced by A.
Protein change: p.Glu349=; no amino-acid change (glutamic acid 349 retained).
Molecular consequence: synonymous variant.
Genome position (GRCh38, 1-based): chr19:1,223,111, G>A. VCF-style: chr19-1223111-G-A. GRCh37 (hg19) VCF-style: chr19-1223110-G-A.
Identifiers: ClinVar variation 1623932 (VCV001623932.9), dbSNP rs2080797337, ClinGen allele CA504707786.
Genomic context (GRCh38, chr19:1,223,111, plus strand): 5'-GGACCGGTGGCGCAGCATGACTGTGGTGCCGTACTTGGAGGACCTGCACGGCGCGGACGA[G>A]GACGAGGACCTCTTCGACATCGAGGATGACATCATCTACACTCAGGACTTCACGGTGCCC-3'
Protein context (NP_000446.1, residues 339-359): PYLEDLHGAD[Glu349=]DEDLFDIEDD